The following is an entry in ClinVar:

ClinVar aggregate classification (germline): Uncertain significance (1 of 4 stars; one submission).

Submission:

GeneDx
Classification: Uncertain significance. Last evaluated: 2024-11-15. Review status: criteria provided, single submitter. Criteria: GeneDx Variant Classification Process June 2021. Collection method: clinical testing. Allele origin: germline. Affected: yes.
Comment: Not observed at significant frequency in large population cohorts (gnomAD); In silico analysis supports that this missense variant has a deleterious effect on protein structure/function; Has not been previously published as pathogenic or benign to our knowledge

NM_020719.3(PRR12):c.5916T>G (p.His1972Gln)

Gene: PRR12 (proline rich 12; plus strand). Cytogenetic location: 19q13.33.
Variant type: single nucleotide variant.
Coding change: c.5916T>G on transcript NM_020719.3 (MANE Select); coding-DNA position 5916, T replaced by G.
Protein change: p.His1972Gln; replaces histidine 1972 with glutamine.
Molecular consequence: missense variant.
Genome position (GRCh38, 1-based): chr19:49,625,152, T>G. VCF-style: chr19-49625152-T-G. GRCh37 (hg19) VCF-style: chr19-50128409-T-G.
Other names: short protein forms H1972Q.
Identifiers: ClinVar variation 3899810 (VCV003899810.1).